The following is an entry in ClinVar:

ClinVar aggregate classification (germline): Uncertain significance. Review status: criteria provided, multiple submitters, no conflicts (2 of 4 stars). 2 submissions from 2 submitters: Uncertain significance (2). Last evaluated 2022-04-04.

Allele frequency attached by ClinVar (database versions not stated): gnomAD exomes below 0.00001; gnomAD 0.00001.
gnomAD v4.1: 6 of 1,613,668 alleles (0.00037%); highest among the groups gnomAD compares: East Asian, 0.0022%; no homozygotes.

Submissions (2):

GeneDx
Classification: Uncertain significance. Last evaluated: 2022-04-04. Review status: criteria provided, single submitter. Criteria: GeneDx Variant Classification Process June 2021. Collection method: clinical testing. Allele origin: germline. Affected: yes.
Comment: Identified in a patient with neurodevelopmental disorder in a large data set in the published literature (Wang et al., 2020); Also known as Arg1244Gln; In silico analysis supports that this missense variant does not alter protein structure/function; Not observed at significant frequency in large population cohorts (gnomAD); This variant is associated with the following publications: (PMID: 28191889, 33004838)

Blueprint Genetics
Classification: Uncertain significance. Last evaluated: 2021-03-02. Review status: criteria provided, single submitter. Criteria: ACMG Guidelines, 2015. Collection method: clinical testing. Allele origin: germline.

NM_001080517.3(SETD5):c.3557G>A (p.Arg1186Gln)

Gene: SETD5 (SET domain containing 5; plus strand). Cytogenetic location: 3p25.3.
Variant type: single nucleotide variant.
Coding change: c.3557G>A on transcript NM_001080517.3 (MANE Select); coding-DNA position 3557, G replaced by A.
Protein change: p.Arg1186Gln; replaces arginine 1186 with glutamine.
Molecular consequence: missense variant.
Genome position (GRCh38, 1-based): chr3:9,474,508, G>A. VCF-style: chr3-9474508-G-A. GRCh37 (hg19) VCF-style: chr3-9516192-G-A.
Other names: c.3263G>A, p.Arg1088Gln (NM_001292043.2, NM_001349451.2); short protein forms R1088Q, R1186Q.
Identifiers: ClinVar variation 1708670 (VCV001708670.3), dbSNP rs1479414341, ClinGen allele CA351689097.